The following is an entry in ClinVar:

NM_033109.5(PNPT1):c.1301C>T (p.Thr434Ile)

Gene: PNPT1 (polyribonucleotide nucleotidyltransferase 1; minus strand). Cytogenetic location: 2p16.1.
Variant type: single nucleotide variant.
Coding change: c.1301C>T on transcript NM_033109.5 (MANE Select); coding-DNA position 1301, C replaced by T.
Protein change: p.Thr434Ile; replaces threonine 434 with isoleucine.
Molecular consequence: missense variant.
Genome position (GRCh38, 1-based): chr2:55,656,355, G>A on the plus strand (C>T on the coding strand, the complement: PNPT1 is on the minus strand). VCF-style: chr2-55656355-G-A. GRCh37 (hg19) VCF-style: chr2-55883490-G-A.
Other names: short protein forms T434I.
Identifiers: ClinVar variation 3719998 (VCV003719998.2).

ClinVar aggregate classification (germline): Uncertain significance (1 of 4 stars; one submission).

Submission:

Labcorp Genetics (formerly Invitae), Labcorp
Classification: Uncertain significance. Last evaluated: 2025-01-12. Review status: criteria provided, single submitter. Criteria: Invitae Variant Classification Sherloc (09022015). Collection method: clinical testing. Allele origin: germline.
Comment: This sequence change replaces threonine, which is neutral and polar, with isoleucine, which is neutral and non-polar, at codon 434 of the PNPT1 protein (p.Thr434Ile). This variant is not present in population databases (gnomAD no frequency). This variant has not been reported in the literature in individuals affected with PNPT1-related conditions. Invitae Evidence Modeling of protein sequence and biophysical properties (such as structural, functional, and spatial information, amino acid conservation, physicochemical variation, residue mobility, and thermodynamic stability) indicates that this missense variant is not expected to disrupt PNPT1 protein function with a negative predictive value of 80%. In summary, the available evidence is currently insufficient to determine the role of this variant in disease. Therefore, it has been classified as a Variant of Uncertain Significance.